The following is an entry in ClinVar:

NM_003235.5(TG):c.73C>T (p.Gln25Ter)

Gene: TG (thyroglobulin; plus strand). Cytogenetic location: 8q24.22.
Variant type: single nucleotide variant.
Coding change: c.73C>T on transcript NM_003235.5 (MANE Select); coding-DNA position 73, C replaced by T.
Protein change: p.Gln25Ter; replaces glutamine 25 with a stop codon.
Molecular consequence: nonsense.
Genome position (GRCh38, 1-based): chr8:132,868,120, C>T. VCF-style: chr8-132868120-C-T. GRCh37 (hg19) VCF-style: chr8-133880365-C-T.
Other names: short protein forms Q25*.
Identifiers: ClinVar variation 2844374 (VCV002844374.3), dbSNP rs755777744, ClinGen allele CA372244625.
Genomic context (GRCh38, chr8:132,868,120, plus strand): 5'-TGTCCTGGCAGCCCAGTCCACACTCTTCTTTGATGAACCACTTTTCTTTTCCTAGAGTAC[C>T]AGGTGGATGCCCAGCCCCTTCGTCCCTGTGAGCTGCAGAGGGAAACGGCCTTTCTGAAGC-3'

ClinVar aggregate classification (germline): Pathogenic (1 of 4 stars; one submission).

gnomAD v4.1: 1 of 1,614,124 alleles (0.000062%); highest among the groups gnomAD compares: Non-Finnish European, 0.000085%; no homozygotes.

Submission:

Labcorp Genetics (formerly Invitae), Labcorp
Classification: Pathogenic. Last evaluated: 2023-05-26. Review status: criteria provided, single submitter. Criteria: Invitae Variant Classification Sherloc (09022015). Collection method: clinical testing. Allele origin: germline.
Comment: This sequence change creates a premature translational stop signal (p.Gln25*) in the TG gene. It is expected to result in an absent or disrupted protein product. Loss-of-function variants in TG are known to be pathogenic (PMID: 19837936, 23164529). This variant is not present in population databases (gnomAD no frequency). For these reasons, this variant has been classified as Pathogenic. This variant has not been reported in the literature in individuals affected with TG-related conditions.

Literature cited by the submitters: PubMed 19837936; PubMed 23164529.